The following is an entry in ClinVar:

ClinVar aggregate classification (germline): Uncertain significance. Review status: criteria provided, multiple submitters, no conflicts (2 of 4 stars). 3 submissions from 3 submitters: Uncertain significance (3). Last evaluated 2024-03-28.

Conditions:
Spastic paraplegia. Identifiers: MedGen C0037772, HP:0001258.
Inborn genetic diseases. Identifiers: MedGen C0950123, MeSH D030342.

Allele frequency attached by ClinVar (database versions not stated): gnomAD 0.00005 and 0.00006; TOPMed 0.00005; ExAC 0.00011; 1000 Genomes Project 30x 0.00016; 1000 Genomes Project 0.00020.
gnomAD v4.1: 57 of 1,612,856 alleles (0.0035%); highest among the groups gnomAD compares: East Asian, 0.029%; no homozygotes.

Submissions (3):

Ambry Genetics
Classification: Uncertain significance for Inborn genetic diseases. Last evaluated: 2024-03-28. Review status: criteria provided, single submitter. Criteria: Ambry Variant Classification Scheme 2023. Collection method: clinical testing. Allele origin: germline.

Labcorp Genetics (formerly Invitae), Labcorp
Classification: Uncertain significance for Spastic paraplegia. Last evaluated: 2021-12-17. Review status: criteria provided, single submitter. Criteria: Invitae Variant Classification Sherloc (09022015). Collection method: clinical testing. Allele origin: germline.
Comment: This sequence change replaces serine, which is neutral and polar, with leucine, which is neutral and non-polar, at codon 331 of the AP4E1 protein (p.Ser331Leu). This variant is present in population databases (rs199740395, gnomAD 0.07%). This variant has not been reported in the literature in individuals affected with AP4E1-related conditions. ClinVar contains an entry for this variant (Variation ID: 445668). Algorithms developed to predict the effect of missense changes on protein structure and function are either unavailable or do not agree on the potential impact of this missense change (SIFT: "Deleterious"; PolyPhen-2: "Benign"; Align-GVGD: "Class C0"). In summary, the available evidence is currently insufficient to determine the role of this variant in disease. Therefore, it has been classified as a Variant of Uncertain Significance.

Center for Pediatric Genomic Medicine, Children's Mercy Hospital and Clinics
Classification: Uncertain significance. Last evaluated: 2017-03-07. Review status: criteria provided, single submitter. Criteria: ACMG Guidelines, 2015. Collection method: clinical testing. Allele origin: germline.

NM_007347.5(AP4E1):c.992C>T (p.Ser331Leu)

Gene: AP4E1 (adaptor related protein complex 4 subunit epsilon 1; plus strand). Cytogenetic location: 15q21.2.
Variant type: single nucleotide variant.
Coding change: c.992C>T on transcript NM_007347.5 (MANE Select); coding-DNA position 992, C replaced by T.
Protein change: p.Ser331Leu; replaces serine 331 with leucine.
Molecular consequence: missense variant.
Genome position (GRCh38, 1-based): chr15:50,941,490, C>T. VCF-style: chr15-50941490-C-T. GRCh37 (hg19) VCF-style: chr15-51233687-C-T.
Other names: c.767C>T, p.Ser256Leu (NM_001252127.2); c.992C>T (NM_007347.3); short protein forms S331L, S256L.
Identifiers: ClinVar variation 445668 (VCV000445668.6), dbSNP rs199740395, ClinGen allele CA7558943.